The following is an entry in ClinVar:

NM_001909.5(CTSD):c.216G>A (p.Lys72=)

Genes: PRADX (PRC2 and DDX5 associated lncRNA; plus strand), CTSD (cathepsin D; minus strand). Cytogenetic location: 11p15.5.
Variant type: single nucleotide variant.
Coding change: c.216G>A on transcript NM_001909.5 (MANE Select); coding-DNA position 216, G replaced by A.
Protein change: p.Lys72=; no amino-acid change (lysine 72 retained).
Molecular consequence: synonymous variant.
Genome position (GRCh38, 1-based): chr11:1,761,321, C>T on the plus strand (G>A on the coding strand, the complement: CTSD is on the minus strand). VCF-style: chr11-1761321-C-T. GRCh37 (hg19) VCF-style: chr11-1782551-C-T.
Other names: p.K72K:AAG>AAA.
Identifiers: ClinVar variation 205336 (VCV000205336.14), dbSNP rs764982673, ClinGen allele CA314314.

ClinVar aggregate classification (germline): Benign/Likely benign. Review status: criteria provided, multiple submitters, no conflicts (2 of 4 stars). 3 submissions from 3 submitters: Benign (1); Likely benign (2). Last evaluated 2026-01-05.

Conditions:
Inborn genetic diseases. Identifiers: MedGen C0950123, MeSH D030342.
Neuronal ceroid lipofuscinosis. Also called: Neuronal Ceroid Lipofuscinoses. Identifiers: Orphanet 216, Orphanet 79263, MedGen C0027877, MONDO:0016295. Disease mechanism: loss of function.

Allele frequency attached by ClinVar (database versions not stated): gnomAD 0.00005; gnomAD exomes 0.00012 and 0.00027; TOPMed 0.00014; ExAC 0.00016.
gnomAD v4.1: 78 of 1,613,702 alleles (0.0048%); highest among the groups gnomAD compares: Admixed American, 0.13%; no homozygotes.

Submissions (3):

Labcorp Genetics (formerly Invitae), Labcorp
Classification: Likely benign for Neuronal ceroid lipofuscinosis. Last evaluated: 2026-01-05. Review status: criteria provided, single submitter. Criteria: Invitae Variant Classification Sherloc (09022015). Collection method: clinical testing. Allele origin: germline.

Ambry Genetics
Classification: Likely benign for Inborn genetic diseases. Last evaluated: 2017-09-29. Review status: criteria provided, single submitter. Criteria: Ambry Variant Classification Scheme 2023. Collection method: clinical testing. Allele origin: germline.

GeneDx
Classification: Benign. Last evaluated: 2014-06-23. Review status: criteria provided, single submitter. Criteria: GeneDx Variant Classification (06012015). Collection method: clinical testing. Allele origin: germline. Affected: yes.
Comment: This variant is considered likely benign or benign based on one or more of the following criteria: it is a conservative change, it occurs at a poorly conserved position in the protein, it is predicted to be benign by multiple in silico algorithms, and/or has population frequency not consistent with disease.